The following is an entry in ClinVar:

ClinVar aggregate classification (germline): Likely benign (1 of 4 stars; one submission).

gnomAD v4.1: 9 of 1,611,138 alleles (0.00056%); highest among the groups gnomAD compares: Non-Finnish European, 0.00076%; no homozygotes.

Submission:

CeGaT Center for Human Genetics Tuebingen
Classification: Likely benign. Last evaluated: 2026-03-01. Review status: criteria provided, single submitter. Criteria: CeGaT Center For Human Genetics Tuebingen Variant Classification Criteria Version 2. Collection method: clinical testing. Allele origin: germline. Affected: yes. Observed: 1 variant allele.
Comment: TKT: BP4, BP7

NM_001064.4(TKT):c.642C>A (p.Ile214=)

Gene: TKT (transketolase; minus strand). Cytogenetic location: 3p21.1.
Variant type: single nucleotide variant.
Coding change: c.642C>A on transcript NM_001064.4 (MANE Select); coding-DNA position 642, C replaced by A.
Protein change: p.Ile214=; no amino-acid change (isoleucine 214 retained).
Molecular consequence: synonymous variant. On other transcripts: non-coding transcript variant (1).
Genome position (GRCh38, 1-based): chr3:53,233,262, G>T on the plus strand (C>A on the coding strand, the complement: TKT is on the minus strand). VCF-style: chr3-53233262-G-T. GRCh37 (hg19) VCF-style: chr3-53267278-G-T.
Other names: c.642C>A, p.Ile214= (NM_001135055.3); c.666C>A, p.Ile222= (NM_001258028.2).
Identifiers: ClinVar variation 4822659 (VCV004822659.4).
Genomic context (GRCh38, chr3:53,233,262, plus strand): 5'-CTGGTGCTTGGCCTGGCCAAAGGCCTTGCACAGCTCCTCCACGCTGTGTCCATCCACGAT[G>T]ATGGCATGCCAACTGGGGACAGGGGGCAGAGAGTAAGGGGCAATTCCCAGGGGCCACAAC-3'
Protein context (NP_001055.1, residues 204-224): KRCEAFGWHA[Ile214=]IVDGHSVEEL